The following is an entry in ClinVar:

ClinVar aggregate classification (germline): Uncertain significance. Review status: criteria provided, multiple submitters, no conflicts (2 of 4 stars). 3 submissions from 3 submitters: Uncertain significance (3). Last evaluated 2024-12-05.

Conditions:
DEAF1-related disorder.
Inborn genetic diseases. Identifiers: MedGen C0950123, MeSH D030342.

Submissions (3):

PreventionGenetics, part of Exact Sciences
Classification: Uncertain significance for DEAF1-related condition. Last evaluated: 2024-12-05. Review status: criteria provided, single submitter. Criteria: ACMG Guidelines, 2015. Collection method: clinical testing. Allele origin: germline.
Comment: The DEAF1 c.50_55dup6 variant is predicted to result in an in-frame duplication (p.Ala17_Ala18dup). To our knowledge, this variant has not been reported in the literature or in a large population database (gnomAD), indicating this variant is rare. At this time, the clinical significance of this variant is uncertain due to the absence of conclusive functional and genetic evidence.

Ambry Genetics
Classification: Uncertain significance for Inborn genetic diseases. Last evaluated: 2024-10-04. Review status: criteria provided, single submitter. Criteria: Ambry Variant Classification Scheme 2023. Collection method: clinical testing. Allele origin: germline.
Comment: The c.50_55dupCGGCGG (p.A17_A18dup) alteration is located in exon 1 (coding exon 1) of the DEAF1 gene. The alteration consists of an in-frame duplication of 6 nucleotides from position 50 to 55, resulting in the duplication of 2 residues. Based on insufficient or conflicting evidence, the clinical significance of this alteration remains unclear.

Labcorp Genetics (formerly Invitae), Labcorp
Classification: Uncertain significance. Last evaluated: 2024-09-21. Review status: criteria provided, single submitter. Criteria: Invitae Variant Classification Sherloc (09022015). Collection method: clinical testing. Allele origin: germline.
Comment: This variant, c.50_55dup, results in the insertion of 2 amino acid(s) of the DEAF1 protein (p.Ala17_Ala18dup), but otherwise preserves the integrity of the reading frame. This variant is not present in population databases (gnomAD no frequency). This variant has not been reported in the literature in individuals affected with DEAF1-related conditions. In summary, the available evidence is currently insufficient to determine the role of this variant in disease. Therefore, it has been classified as a Variant of Uncertain Significance.

NM_021008.4(DEAF1):c.47CGG[5] (p.Ala18_Val19insAlaAla)

Gene: DEAF1 (DEAF1 transcription factor; minus strand). Cytogenetic location: 11p15.5.
Variant type: Microsatellite.
Coding change: c.47CGG[5] on transcript NM_021008.4 (MANE Select); five copies in a row of the 3-base unit CGG starting at c.47; the reference has three copies in a row; two copies, 6 bases duplicated.
Protein change: p.Ala18_Val19insAlaAla.
Molecular consequence: inframe insertion. On other transcripts: inframe indel (1), intron variant (1).
Genome position (GRCh38, 1-based): chr11:694,993-694,998, CCGCCG duplicated on the plus strand (CGGCGG on the coding strand, the reverse complement: DEAF1 is on the minus strand); duplicating any 6 consecutive bases within chr11:694,993-695,003 gives the same sequence; the position shown is the placement nearest the transcript's 3' end. VCF-style (leftmost placement, unchanged base first): chr11-694992-A-ACCGCCG. GRCh37 (hg19) VCF-style: chr11-694992-A-ACCGCCG.
Other names: c.50_55dup6 (NM_021008.3); c.45_47GGC[5], p.Ala18_Val19insAlaAla (NM_001293634.2); c.-437-3403CGG[5] (NM_001367390.1).
Identifiers: ClinVar variation 3500738 (VCV003500738.4).
Genomic context (GRCh38, chr11:694,992, plus strand): 5'-TCCTCCGCCTCGCCTCCTGCCGCGGCCGCGGCCGCCGCCGCCACAGCGGCCGCGGCCGCC[A>ACCGCCG]CCGCCGCCGCCTCAGCCAGGCCCAGCTGCTTTGCCGCCGAGTCCGAGTCCTCCATCCGGA-3'